The following is an entry in ClinVar:

ClinVar aggregate classification (germline): Pathogenic/Likely pathogenic. Review status: criteria provided, multiple submitters, no conflicts (2 of 4 stars). 2 submissions from 2 submitters: Pathogenic (1); Likely pathogenic (1). Last evaluated 2021-01-20.

Conditions:
Hermansky-Pudlak syndrome 3 (HPS3). Identifiers: Orphanet 231512, Orphanet 79430, MedGen C3888001, MONDO:0013555, OMIM 614072.

Submissions (2):

Labcorp Genetics (formerly Invitae), Labcorp
Classification: Pathogenic. Last evaluated: 2021-01-20. Review status: criteria provided, single submitter. Criteria: Invitae Variant Classification Sherloc (09022015). Collection method: clinical testing. Allele origin: germline.
Comment: For these reasons, this variant has been classified as Pathogenic. This variant has not been reported in the literature in individuals with HPS3-related conditions. This variant is not present in population databases (ExAC no frequency). This sequence change creates a premature translational stop signal (p.Pro878Argfs*24) in the HPS3 gene. It is expected to result in an absent or disrupted protein product. Loss-of-function variants in HPS3 are known to be pathogenic (PMID: 11590544).

Juno Genomics, Hangzhou Juno Genomics, Inc
Classification: Likely pathogenic for Hermansky-Pudlak syndrome 3. Review status: criteria provided, single submitter. Criteria: ACMG Guidelines, 2015. Collection method: clinical testing. Allele origin: germline.
Comment: Null variant in a gene where loss of function (LOF) is a known mechanism of disease.;Absent from controls (or at extremely low frequency if recessive) in Genome Aggregation Database.

Literature cited by the submitters: PubMed 11590544 (cited by Labcorp Genetics (formerly Invitae), Labcorp).

NM_032383.5(HPS3):c.2633del (p.Pro878fs)

Genes: CP (ceruloplasmin; minus strand), HPS3 (HPS3 biogenesis of lysosomal organelles complex 2 subunit 1; plus strand). Cytogenetic location: 3q24.
Variant type: Deletion.
Coding change: c.2633del on transcript NM_032383.5 (MANE Select); coding-DNA position 2633, one base deleted (C; older notation c.2633delC).
Protein change: p.Pro878fs; shifts the reading frame from proline 878.
Molecular consequence: frameshift variant.
Genome position (GRCh38, 1-based): chr3:149,167,077, C deleted; the last of 2 consecutive C bases (chr3:149,167,076-149,167,077); deleting either gives the same sequence. VCF-style (leftmost placement, unchanged base first): chr3-149167075-TC-T. GRCh37 (hg19) VCF-style: chr3-148884862-TC-T.
Other names: c.2138del, p.Pro713fs (NM_001308258.2); short protein forms P713fs, P878fs.
Identifiers: ClinVar variation 1451371 (VCV001451371.8), dbSNP rs2108184065, ClinGen allele CA2573136586.
Genomic context (GRCh38, chr3:149,167,075, plus strand): 5'-TTCACTTTTCTGTTCATAGTCTCTTATATGTGGTCCTTCATTTGACATAGCTTCCATTAT[TC>T]CGTTCTTGGAGCCACTTTCAGAAGACACTATTGCCGGCCTCAGTGTCCATGTTCTGTGTC-3'